The following is an entry in ClinVar:

ClinVar aggregate classification (germline): Uncertain significance (1 of 4 stars; one submission).

Conditions:
Mitochondrial hypertrophic cardiomyopathy with lactic acidosis due to MTO1 deficiency. Also called: CARDIOMYOPATHY, INFANTILE HYPERTROPHIC MITOCHONDRIAL, AND LACTIC ACIDOSIS; Combined oxidative phosphorylation deficiency 10. Identifiers: Orphanet 314637, MedGen C4749921, MONDO:0013865, OMIM 614702.

Submission:

OLLIN Analises Genomicas, OLLIN
Classification: Uncertain significance for Mitochondrial hypertrophic cardiomyopathy with lactic acidosis due to MTO1 deficiency. Last evaluated: 2026-08-06. Review status: criteria provided, single submitter. Criteria: ACMG Guidelines 2015 PMID 25741868. Collection method: clinical testing. Allele origin: germline. Inheritance: Autosomal recessive inheritance.
Comment: This missense variant, located in exon 4 (of 12), is absent from gnomAD and ClinVar and has not been identified in the literature. In silico analysis predicts that this variant has a deleterious effect. According to the currently available evidence, this variant has been classified as uncertain significance (PM2_P, PP3_M).

NM_012123.4(MTO1):c.748T>G (p.Phe250Val)

Gene: MTO1 (mitochondrial tRNA translation optimization 1; plus strand). Cytogenetic location: 6q13.
Variant type: single nucleotide variant.
Coding change: c.748T>G on transcript NM_012123.4 (MANE Select); coding-DNA position 748, T replaced by G.
Protein change: p.Phe250Val; replaces phenylalanine 250 with valine.
Molecular consequence: missense variant.
Genome position (GRCh38, 1-based): chr6:73,473,577, T>G. VCF-style: chr6-73473577-T-G. GRCh37 (hg19) VCF-style: chr6-74183300-T-G.
Other names: c.748T>G, p.Phe250Val (NM_001123226.2, NM_133645.3); short protein forms F250V.
Identifiers: ClinVar variation 5002743 (VCV005002743.1).
Genomic context (GRCh38, chr6:73,473,577, plus strand): 5'-TTTGTGGTGGGAAGGTTGAAGACTGGGACTCCACCCCGAATTGCCAAAGAGTCCATTAAT[T>G]TCAGTATTCTAAACAAGCATATACCGGACAATCCATCCATACCATTCAGCTTTACCAATG-3'
Protein context (NP_036255.2, residues 240-260): PPRIAKESIN[Phe250Val]SILNKHIPDN